The following is an entry in ClinVar:

NM_003900.5(SQSTM1):c.876C>T (p.Asp292=)

Gene: SQSTM1 (sequestosome 1; plus strand). Cytogenetic location: 5q35.3.
Variant type: single nucleotide variant.
Coding change: c.876C>T on transcript NM_003900.5 (MANE Select); coding-DNA position 876, C replaced by T.
Protein change: p.Asp292=; no amino-acid change (aspartic acid 292 retained).
Molecular consequence: synonymous variant.
Genome position (GRCh38, 1-based): chr5:179,833,153, C>T. VCF-style: chr5-179833153-C-T. GRCh37 (hg19) VCF-style: chr5-179260153-C-T.
Other names: p.Asp292=; c.624C>T, p.Asp208= (NM_001142298.2, NM_001142299.2).
Identifiers: ClinVar variation 259189 (VCV000259189.30), dbSNP rs4935, ClinGen allele CA3600710.
Genomic context (GRCh38, chr5:179,833,153, plus strand): 5'-TCCAGAGAGTTCCAGCACAGAGGAGAAGAGCAGCTCACAGCCAAGCAGCTGCTGCTCTGA[C>T]CCCAGCAAGCCGGGTGGGAATGTTGAGGGCGCCACGCAGTCTCTGGCGGAGCAGATGAGG-3'
Protein context (NP_003891.1, residues 282-302): SSSQPSSCCS[Asp292=]PSKPGGNVEG

ClinVar aggregate classification (germline): Benign. Review status: criteria provided, multiple submitters, no conflicts (2 of 4 stars). 16 submissions from 13 submitters: Benign (12). 4 of the submissions do not count toward it. Last evaluated 2026-02-04.

Conditions:
Paget disease of bone 3. Identifiers: MedGen C4085252, MONDO:0008176, OMIM 167250.
Frontotemporal dementia and/or amyotrophic lateral sclerosis 3. Also called: FTDALS3. Identifiers: Orphanet 275864, Orphanet 275872, Orphanet 803, MedGen C4225326, MONDO:0014640, OMIM 616437.
Myopathy, distal, with rimmed vacuoles (DMRV). Also called: MULTISYSTEM PROTEINOPATHY 4. Identifiers: MedGen C5399975, MONDO:0014945, OMIM 617158.
Neurodegeneration with ataxia, dystonia, and gaze palsy, childhood-onset (NADGP). Identifiers: MedGen C4310693, MONDO:0014940, OMIM 617145.
Paget disease of bone 2, early-onset (PDB2). Also called: Paget disease of bone 2. Identifiers: MedGen C4085251, MONDO:0011183, OMIM 602080.
Frontotemporal dementia and/or amyotrophic lateral sclerosis 1 (FTDALS1). Also called: C9orf72 Frontotemporal Dementia and/or Amyotrophic Lateral Sclerosis; Frontotemporal dementia with motor neuron disease 1. Identifiers: Orphanet 275872, MedGen C5779877, MONDO:0007105, OMIM 105550.

Allele frequency attached by ClinVar (database versions not stated): ESP Exome Variant Server 0.59719; gnomAD 0.62369 and 0.62550; ExAC 0.62479; TOPMed 0.63563; 1000 Genomes Project 0.69369; 1000 Genomes Project 30x 0.69706.
gnomAD v4.1: 910,117 of 1,613,700 alleles (56%); highest among the groups gnomAD compares: East Asian, 86%; 262,836 homozygotes.

Submissions (16):

Labcorp Genetics (formerly Invitae), Labcorp
Classification: Benign for Paget disease of bone 2, early-onset; Frontotemporal dementia and/or amyotrophic lateral sclerosis 1. Last evaluated: 2026-02-04. Review status: criteria provided, single submitter. Criteria: Invitae Variant Classification Sherloc (09022015). Collection method: clinical testing. Allele origin: germline.

Blueprint Genetics
Classification: Benign. Last evaluated: 2024-11-26. Review status: criteria provided, single submitter. Criteria: ACMG Guidelines, 2015. Collection method: clinical testing. Allele origin: germline.

Genome-Nilou Lab
Classification: Benign for Frontotemporal dementia and/or amyotrophic lateral sclerosis 3. Last evaluated: 2021-07-15. Review status: criteria provided, single submitter. Criteria: ACMG Guidelines, 2015. Collection method: clinical testing. Allele origin: germline. Affected: no.

Genome-Nilou Lab
Classification: Benign for Myopathy, distal, with rimmed vacuoles. Last evaluated: 2021-07-15. Review status: criteria provided, single submitter. Criteria: ACMG Guidelines, 2015. Collection method: clinical testing. Allele origin: germline. Affected: no.

Genome-Nilou Lab
Classification: Benign for Neurodegeneration with ataxia, dystonia, and gaze palsy, childhood-onset. Last evaluated: 2021-07-15. Review status: criteria provided, single submitter. Criteria: ACMG Guidelines, 2015. Collection method: clinical testing. Allele origin: germline. Affected: no.

Genome-Nilou Lab
Classification: Benign for Paget disease of bone 3. Last evaluated: 2021-07-15. Review status: criteria provided, single submitter. Criteria: ACMG Guidelines, 2015. Collection method: clinical testing. Allele origin: germline. Affected: no.

GeneDx
Classification: Benign. Last evaluated: 2018-08-13. Review status: criteria provided, single submitter. Criteria: GeneDx Variant Classification Process June 2021. Collection method: clinical testing. Allele origin: germline. Affected: yes.

Illumina Laboratory Services, Illumina
Classification: Benign for Paget disease of bone 3. Last evaluated: 2018-01-13. Review status: criteria provided, single submitter. Criteria: ICSL Variant Classification Criteria 13 December 2019. Collection method: clinical testing. Allele origin: germline.
Comment: This variant was observed in the ICSL laboratory as part of a predisposition screen in an ostensibly healthy population. It had not been previously curated by ICSL or reported in the Human Gene Mutation Database (HGMD: prior to June 1st, 2018), and was therefore a candidate for classification through an automated scoring system. Utilizing variant allele frequency, disease prevalence and penetrance estimates, and inheritance mode, an automated score was calculated to assess if this variant is too frequent to cause the disease. Based on the score and internal cut-off values, a variant classified as benign is not then subjected to further curation. The score for this variant resulted in a classification of benign for this disease.

Athena Diagnostics
Classification: Benign. Last evaluated: 2017-11-17. Review status: criteria provided, single submitter. Criteria: Athena Diagnostics Criteria. Collection method: clinical testing. Allele origin: germline.

Mayo Clinic Laboratories, Mayo Clinic
Classification: Benign. Last evaluated: 2017-07-21. Review status: criteria provided, single submitter. Criteria: ACMG Guidelines, 2015. Collection method: clinical testing. Allele origin: germline. Observed: 2,103 variant alleles.

Clinical Genetics DNA and cytogenetics Diagnostics Lab, Erasmus MC, Erasmus Medical Center
Classification: Benign for Paget disease of bone 2, early-onset. Last evaluated: 2015-09-21. Review status: criteria provided, single submitter. Criteria: ACGS Guidelines, 2013. Collection method: clinical testing. Allele origin: germline. Affected: yes. Study: VKGL Data-share Consensus.

PreventionGenetics, part of Exact Sciences
Classification: Benign. Review status: criteria provided, single submitter. Criteria: ACMG Guidelines, 2015. Collection method: clinical testing. Allele origin: germline.

Genome Diagnostics Laboratory, Amsterdam University Medical Center
Classification: Benign for Paget disease of bone 2, early-onset. Last evaluated: 2016-04-22. Review status: no assertion criteria provided. Criteria: ACGS Guidelines, 2013. Collection method: clinical testing. Allele origin: germline. Affected: yes. Study: VKGL Data-share Consensus. Not counted in ClinVar's aggregate classification.

Clinical Genetics, Academic Medical Center
Classification: Benign. Review status: no assertion criteria provided. Collection method: clinical testing. Allele origin: germline. Affected: yes. Study: VKGL Data-share Consensus. Not counted in ClinVar's aggregate classification.

Diagnostic Laboratory, Department of Genetics, University Medical Center Groningen
Classification: Benign for Paget disease of bone 2, early-onset. Review status: no assertion criteria provided. Collection method: clinical testing. Allele origin: germline. Affected: yes. Study: VKGL Data-share Consensus. Not counted in ClinVar's aggregate classification.

Joint Genome Diagnostic Labs from Nijmegen and Maastricht, Radboudumc and MUMC+
Classification: Benign. Review status: no assertion criteria provided. Collection method: clinical testing. Allele origin: germline. Affected: yes. Study: VKGL Data-share Consensus. Not counted in ClinVar's aggregate classification.